The following is an entry in ClinVar:

NM_001184880.2(PCDH19):c.2873G>A (p.Arg958Gln)

Gene: PCDH19 (protocadherin 19; minus strand). Cytogenetic location: Xq22.1.
Variant type: single nucleotide variant.
Coding change: c.2873G>A on transcript NM_001184880.2 (MANE Select); coding-DNA position 2873, G replaced by A.
Protein change: p.Arg958Gln; replaces arginine 958 with glutamine.
Molecular consequence: missense variant.
Genome position (GRCh38, 1-based): chrX:100,296,851, C>T on the plus strand (G>A on the coding strand, the complement: PCDH19 is on the minus strand). VCF-style: chrX-100296851-C-T. GRCh37 (hg19) VCF-style: chrX-99551849-C-T.
Other names: p.R911Q:CGG>CAG; c.2732G>A, p.Arg911Gln (NM_001105243.2); c.2729G>A, p.Arg910Gln (NM_020766.3); short protein forms R911Q, R958Q, R910Q.
Identifiers: ClinVar variation 206362 (VCV000206362.35), dbSNP rs748581653, ClinGen allele CA316412.

ClinVar aggregate classification (germline): Benign/Likely benign. Review status: criteria provided, multiple submitters, no conflicts (2 of 4 stars). 8 submissions from 8 submitters: Benign (1); Likely benign (6). 1 of the submissions does not count toward it. Last evaluated 2026-01-11.

Conditions:
Inborn genetic diseases. Identifiers: MedGen C0950123, MeSH D030342.
PCDH19-related disorder. Also called: PCDH19-related condition.
Developmental and epileptic encephalopathy, 9 (DEE9). Also called: EPILEPSY, FEMALE-RESTRICTED, WITH MENTAL RETARDATION; PCDH19-Related X-Linked Female-Limited Epilepsy with Mental Retardation; Early infantile epileptic encephalopathy 9; JUBERG-HELLMAN SYNDROME. Identifiers: Orphanet 101039, Orphanet 2076, MedGen C1848137, MONDO:0010246, OMIM 300088. Disease mechanism: loss of function.

Allele frequency attached by ClinVar (database versions not stated): gnomAD 0.00006 and 0.00009; TOPMed 0.00007; gnomAD exomes 0.00019; 1000 Genomes Project 30x 0.00021; ExAC 0.00025; 1000 Genomes Project 0.00026.
gnomAD v4.1: 202 of 1,206,546 alleles (0.017%); highest among the groups gnomAD compares: Middle Eastern, 0.63%; no homozygotes.

Submissions (8):

Labcorp Genetics (formerly Invitae), Labcorp
Classification: Likely benign for Developmental and epileptic encephalopathy, 9. Last evaluated: 2026-01-11. Review status: criteria provided, single submitter. Criteria: Invitae Variant Classification Sherloc (09022015). Collection method: clinical testing. Allele origin: germline.

CeGaT Center for Human Genetics Tuebingen
Classification: Likely benign. Last evaluated: 2025-12-01. Review status: criteria provided, single submitter. Criteria: CeGaT Center For Human Genetics Tuebingen Variant Classification Criteria Version 2. Collection method: clinical testing. Allele origin: germline. Affected: yes. Observed: 3 variant alleles.
Comment: PCDH19: BP4, BS2

Blueprint Genetics
Classification: Likely benign. Last evaluated: 2024-10-24. Review status: criteria provided, single submitter. Criteria: ACMG Guidelines, 2015. Collection method: clinical testing. Allele origin: germline.

Ambry Genetics
Classification: Likely benign for Inborn genetic diseases. Last evaluated: 2022-01-19. Review status: criteria provided, single submitter. Criteria: Ambry Variant Classification Scheme 2023. Collection method: clinical testing. Allele origin: germline.

Dubai Health Genomic Medicine Center, Dubai Health
Classification: Likely benign for Developmental and epileptic encephalopathy, 9. Last evaluated: 2020-09-24. Review status: criteria provided, single submitter. Criteria: ACMG Guidelines, 2015. Collection method: clinical testing. Allele origin: germline. Affected: yes.

Mendelics
Classification: Likely benign for Developmental and epileptic encephalopathy, 9. Last evaluated: 2019-05-28. Review status: criteria provided, single submitter. Criteria: Mendelics Assertion Criteria 2017. Collection method: clinical testing. Allele origin: unknown.

GeneDx
Classification: Benign. Last evaluated: 2018-02-01. Review status: criteria provided, single submitter. Criteria: GeneDx Variant Classification (06012015). Collection method: clinical testing. Allele origin: germline. Affected: yes.
Comment: This variant is considered likely benign or benign based on one or more of the following criteria: it is a conservative change, it occurs at a poorly conserved position in the protein, it is predicted to be benign by multiple in silico algorithms, and/or has population frequency not consistent with disease.

PreventionGenetics, part of Exact Sciences
Classification: Likely benign for PCDH19-related condition. Last evaluated: 2021-06-18. Review status: no assertion criteria provided. Collection method: clinical testing. Allele origin: germline. Not counted in ClinVar's aggregate classification.
Comment: This variant is classified as likely benign based on ACMG/AMP sequence variant interpretation guidelines (Richards et al. 2015 PMID: 25741868, with internal and published modifications).